The following is an entry in ClinVar:

ClinVar aggregate classification (germline): Pathogenic. Review status: criteria provided, multiple submitters, no conflicts (2 of 4 stars). 2 submissions from 2 submitters: Pathogenic (2). Last evaluated 2024-08-29.

Conditions:
Inborn genetic diseases. Identifiers: MedGen C0950123, MeSH D030342.

Submissions (2):

Ambry Genetics
Classification: Pathogenic for Inborn genetic diseases. Last evaluated: 2024-08-29. Review status: criteria provided, single submitter. Criteria: Ambry Variant Classification Scheme 2023. Collection method: clinical testing. Allele origin: germline.
Comment: The c.540T>G (p.Y180*) alteration, located in exon 5 (coding exon 4) of the D2HGDH gene, consists of a T to G substitution at nucleotide position 540. This changes the amino acid from a tyrosine (Y) to a stop codon at amino acid position 180. This alteration is expected to result in loss of function by premature protein truncation or nonsense-mediated mRNA decay. This variant was not reported in population-based cohorts in the Genome Aggregation Database (gnomAD). Based on the available evidence, this alteration is classified as pathogenic.

CeGaT Center for Human Genetics Tuebingen
Classification: Pathogenic. Last evaluated: 2021-05-01. Review status: criteria provided, single submitter. Criteria: CeGaT Center For Human Genetics Tuebingen Variant Classification Criteria Version 2. Collection method: clinical testing. Allele origin: germline. Affected: yes. Observed: 1 variant allele.

NM_152783.5(D2HGDH):c.540T>G (p.Tyr180Ter)

Gene: D2HGDH (D-2-hydroxyglutarate dehydrogenase; plus strand). Cytogenetic location: 2q37.3.
Variant type: single nucleotide variant.
Coding change: c.540T>G on transcript NM_152783.5 (MANE Select); coding-DNA position 540, T replaced by G.
Protein change: p.Tyr180Ter; replaces tyrosine 180 with a stop codon.
Molecular consequence: nonsense. On other transcripts: 5 prime UTR variant (1), non-coding transcript variant (1).
Genome position (GRCh38, 1-based): chr2:241,743,671, T>G. VCF-style: chr2-241743671-T-G. GRCh37 (hg19) VCF-style: chr2-242683086-T-G.
Other names: c.540T>G (NM_152783.3); c.138T>G, p.Tyr46Ter (NM_001287249.2); c.-22T>G (NM_001352824.2); short protein forms Y180*, Y46*.
Identifiers: ClinVar variation 871019 (VCV000871019.42), dbSNP rs752626142, ClinGen allele CA351406562.